The following is an entry in ClinVar:

NM_139076.3(ABRAXAS1):c.563C>A (p.Ser188Tyr)

Gene: ABRAXAS1 (abraxas 1, BRCA1 A complex subunit; minus strand). Cytogenetic location: 4q21.23.
Variant type: single nucleotide variant.
Coding change: c.563C>A on transcript NM_139076.3 (MANE Select); coding-DNA position 563, C replaced by A.
Protein change: p.Ser188Tyr; replaces serine 188 with tyrosine.
Molecular consequence: missense variant.
Genome position (GRCh38, 1-based): chr4:83,469,065, G>T on the plus strand (C>A on the coding strand, the complement: ABRAXAS1 is on the minus strand). VCF-style: chr4-83469065-G-T. GRCh37 (hg19) VCF-style: chr4-84390218-G-T.
Other names: c.236C>A, p.Ser79Tyr (NM_001345962.2); short protein forms S79Y, S188Y.
Identifiers: ClinVar variation 4636462 (VCV004636462.1).

ClinVar aggregate classification (germline): Uncertain significance (1 of 4 stars; one submission).

Submission:

Ambry Genetics
Classification: Uncertain significance. Last evaluated: 2025-10-03. Review status: criteria provided, single submitter. Criteria: Ambry Variant Classification Scheme 2023. Collection method: clinical testing. Allele origin: germline.
Comment: The p.S188Y variant (also known as c.563C>A), located in coding exon 6 of the FAM175A gene, results from a C to A substitution at nucleotide position 563. The serine at codon 188 is replaced by tyrosine, an amino acid with dissimilar properties. This amino acid position is conserved. In addition, this alteration is predicted to be deleterious by in silico analysis. Based on the available evidence, the clinical significance of this variant remains unclear.